The following is an entry in ClinVar:

NM_001012720.2(RGR):c.332G>T (p.Trp111Leu)

Gene: RGR (retinal G protein coupled receptor; plus strand). Cytogenetic location: 10q23.1.
Variant type: single nucleotide variant.
Coding change: c.332G>T on transcript NM_001012720.2 (MANE Select); coding-DNA position 332, G replaced by T.
Protein change: p.Trp111Leu; replaces tryptophan 111 with leucine.
Molecular consequence: missense variant.
Genome position (GRCh38, 1-based): chr10:84,249,017, G>T. VCF-style: chr10-84249017-G-T. GRCh37 (hg19) VCF-style: chr10-86008773-G-T.
Other names: c.332G>T, p.Trp111Leu (NM_001012722.2); c.344G>T, p.Trp115Leu (NM_002921.4); short protein forms W111L, W115L.
Identifiers: ClinVar variation 970460 (VCV000970460.11), dbSNP rs1842782897, ClinGen allele CA377391264.
Genomic context (GRCh38, chr10:84,249,017, plus strand): 5'-ACGGCTTCCAGGGCTTTGTGACAGCGTTGGCCAGCATCTGCAGCAGTGCAGCCATCGCAT[G>T]GGGGCGTTATCACCACTACTGCACCCGTATGTATCTGGGCTCCTGGAGTGGAGGGACACC-3'
Protein context (NP_001012738.1, residues 101-121): ASICSSAAIA[Trp111Leu]GRYHHYCTRS

ClinVar aggregate classification (germline): Uncertain significance. Review status: criteria provided, multiple submitters, no conflicts (2 of 4 stars). 2 submissions from 2 submitters: Uncertain significance (2). Last evaluated 2025-06-03.

Allele frequency attached by ClinVar (database versions not stated): TOPMed below 0.00001; gnomAD 0.00001.
gnomAD v4.1: 1 of 1,613,956 alleles (0.000062%); highest among the groups gnomAD compares: African/African-American, 0.0013%; no homozygotes.

Submissions (2):

Ambry Genetics
Classification: Uncertain significance. Last evaluated: 2025-06-03. Review status: criteria provided, single submitter. Criteria: Ambry Variant Classification Scheme 2023. Collection method: clinical testing. Allele origin: germline.

Labcorp Genetics (formerly Invitae), Labcorp
Classification: Uncertain significance. Last evaluated: 2022-07-26. Review status: criteria provided, single submitter. Criteria: Invitae Variant Classification Sherloc (09022015). Collection method: clinical testing. Allele origin: germline.
Comment: Algorithms developed to predict the effect of missense changes on protein structure and function are either unavailable or do not agree on the potential impact of this missense change (SIFT: "Deleterious"; PolyPhen-2: "Not Available"; Align-GVGD: "Class C55"). In summary, the available evidence is currently insufficient to determine the role of this variant in disease. Therefore, it has been classified as a Variant of Uncertain Significance. ClinVar contains an entry for this variant (Variation ID: 970460). This variant has not been reported in the literature in individuals affected with RGR-related conditions. This variant is not present in population databases (gnomAD no frequency). This sequence change replaces tryptophan, which is neutral and slightly polar, with leucine, which is neutral and non-polar, at codon 111 of the RGR protein (p.Trp111Leu).